The following is an entry in ClinVar:

ClinVar aggregate classification (germline): Likely benign. Review status: criteria provided, single submitter (1 of 4 stars). 2 submissions from 2 submitters: Likely benign (1). 1 of the submissions does not count toward it. Last evaluated 2022-12-13.

Conditions:
Beckwith-Wiedemann syndrome (BWS). Also called: EMG SYNDROME; Exomphalos macroglossia gigantism syndrome. Identifiers: Orphanet 116, MedGen C0004903, MONDO:0007534, OMIM 130650.
CDKN1C-related disorder. Also called: CDKN1C-related condition.

Submissions (2):

Labcorp Genetics (formerly Invitae), Labcorp
Classification: Likely benign for Beckwith-Wiedemann syndrome. Last evaluated: 2022-12-13. Review status: criteria provided, single submitter. Criteria: Invitae Variant Classification Sherloc (09022015). Collection method: clinical testing. Allele origin: germline.

PreventionGenetics, part of Exact Sciences
Classification: Likely benign for CDKN1C-related condition. Last evaluated: 2022-11-11. Review status: no assertion criteria provided. Collection method: clinical testing. Allele origin: germline. Not counted in ClinVar's aggregate classification.
Comment: This variant is classified as likely benign based on ACMG/AMP sequence variant interpretation guidelines (Richards et al. 2015 PMID: 25741868, with internal and published modifications).

NM_001122630.2(CDKN1C):c.787+7C>A

Gene: CDKN1C (cyclin dependent kinase inhibitor 1C; minus strand). Cytogenetic location: 11p15.4.
Variant type: single nucleotide variant.
Coding change: c.787+7C>A on transcript NM_001122630.2 (MANE Select); 7 bases into the intron after coding-DNA position 787, C replaced by A.
Molecular consequence: intron variant.
Genome position (GRCh38, 1-based): chr11:2,884,663, G>T on the plus strand (C>A on the coding strand, the complement: CDKN1C is on the minus strand). VCF-style: chr11-2884663-G-T. GRCh37 (hg19) VCF-style: chr11-2905893-G-T.
Other names: c.256-529C>A (NM_001362475.2); c.787+7C>A (NM_001122631.2); c.820+7C>A (NM_001362474.2, NM_000076.2).
Identifiers: ClinVar variation 1598136 (VCV001598136.10), dbSNP rs1848914279, ClinGen allele CA2573145959.